The following is an entry in ClinVar:

NM_031418.4(ANO3):c.1111C>T (p.Arg371Cys)

Gene: ANO3 (anoctamin 3; plus strand). Cytogenetic location: 11p14.2.
Variant type: single nucleotide variant.
Coding change: c.1111C>T on transcript NM_031418.4 (MANE Select); coding-DNA position 1111, C replaced by T.
Protein change: p.Arg371Cys; replaces arginine 371 with cysteine.
Molecular consequence: missense variant.
Genome position (GRCh38, 1-based): chr11:26,542,025, C>T. VCF-style: chr11-26542025-C-T. GRCh37 (hg19) VCF-style: chr11-26563572-C-T.
Other names: c.1294C>T, p.Arg432Cys (NM_001313726.2); c.673C>T, p.Arg225Cys (NM_001313727.2); short protein forms R371C, R225C, R432C.
Identifiers: ClinVar variation 647444 (VCV000647444.33), dbSNP rs370257709, ClinGen allele CA5925788.

ClinVar aggregate classification (germline): Uncertain significance. Review status: criteria provided, multiple submitters, no conflicts (2 of 4 stars). 2 submissions from 2 submitters: Uncertain significance (2). Last evaluated 2025-11-27.

Conditions:
Dystonic disorder. Also called: Dystonia. Identifiers: MedGen C0013421, MONDO:0003441, HP:0001332.

Allele frequency attached by ClinVar (database versions not stated): TOPMed 0.00002; gnomAD exomes 0.00003 and 0.00004; gnomAD 0.00004 and 0.00005; ExAC 0.00007; ESP Exome Variant Server 0.00008.

Submissions (2):

Labcorp Genetics (formerly Invitae), Labcorp
Classification: Uncertain significance for Dystonic disorder. Last evaluated: 2025-11-27. Review status: criteria provided, single submitter. Criteria: Invitae Variant Classification Sherloc (09022015). Collection method: clinical testing. Allele origin: germline.
Comment: This sequence change replaces arginine, which is basic and polar, with cysteine, which is neutral and slightly polar, at codon 371 of the ANO3 protein (p.Arg371Cys). This variant is present in population databases (rs370257709, gnomAD 0.02%). This variant has not been reported in the literature in individuals affected with ANO3-related conditions. ClinVar contains an entry for this variant (Variation ID: 647444). An algorithm developed to predict the effect of missense changes on protein structure and function outputs the following: PolyPhen-2: "Benign". The cysteine amino acid residue is found in multiple mammalian species, which suggests that this missense change does not adversely affect protein function. In summary, the available evidence is currently insufficient to determine the role of this variant in disease. Therefore, it has been classified as a Variant of Uncertain Significance.

CeGaT Center for Human Genetics Tuebingen
Classification: Uncertain significance. Last evaluated: 2023-08-01. Review status: criteria provided, single submitter. Criteria: CeGaT Center For Human Genetics Tuebingen Variant Classification Criteria Version 2. Collection method: clinical testing. Allele origin: germline. Affected: yes. Observed: 1 variant allele.